The following is an entry in ClinVar:

NM_033380.3(COL4A5):c.3060_3063dup (p.Pro1022fs)

Gene: COL4A5 (collagen type IV alpha 5 chain; plus strand). Cytogenetic location: Xq22.3.
Variant type: Duplication.
Coding change: c.3060_3063dup on transcript NM_033380.3 (MANE Select); coding-DNA positions 3060 to 3063, 4 bases duplicated (AGGA; older notation c.3060_3063dupAGGA).
Protein change: p.Pro1022fs; shifts the reading frame from proline 1022.
Molecular consequence: frameshift variant.
Genome position (GRCh38, 1-based): chrX:108,625,748-108,625,751, AGGA duplicated. VCF-style (leftmost placement, unchanged base first): chrX-108625747-T-TAGGA. GRCh37 (hg19) VCF-style: chrX-107868977-T-TAGGA.
Other names: c.3060_3063dup, p.Pro1022fs (NM_000495.5); short protein forms P1022fs.
Identifiers: ClinVar variation 3597946 (VCV003597946.2).

ClinVar aggregate classification (germline): Pathogenic/Likely pathogenic. Review status: criteria provided, multiple submitters, no conflicts (2 of 4 stars). 2 submissions from 2 submitters: Pathogenic (1); Likely pathogenic (1). Last evaluated 2024-04-20.

Conditions:
X-linked Alport syndrome (ATS1). Also called: COL4A5-Related Nephropathy; NEPHROPATHY AND DEAFNESS, X-LINKED. Identifiers: Orphanet 63, Orphanet 88917, MedGen C4746986, MONDO:0010520, OMIM 301050.

Submissions (2):

Fulgent Genetics
Classification: Likely pathogenic for X-linked Alport syndrome. Last evaluated: 2024-04-20. Review status: criteria provided, single submitter. Criteria: ACMG Guidelines, 2015. Collection method: clinical testing. Allele origin: germline.

Myriad Genetics, Inc.
Classification: Pathogenic for X-linked Alport syndrome. Last evaluated: 2023-12-30. Review status: criteria provided, single submitter. Criteria: Myriad Autosomal Dominant, Autosomal Recessive and X-Linked Classification Criteria (2023). Collection method: clinical testing. Allele origin: unknown.
Comment: NM_000495.4(COL4A5):c.3060_3063dupAGGA(P1022Rfs*6) is expected to be pathogenic in the context of X-linked Alport syndrome. This variant is predicted to lead to an abnormal or absent protein product due to the creation of a premature termination codon in COL4A5, a gene where loss-of-function variants are known to be pathogenic. Please note: this variant was assessed in the context of healthy population screening.